The following is an entry in ClinVar:

NM_004525.3(LRP2):c.3191-2A>G

Gene: LRP2 (LDL receptor related protein 2; minus strand). Cytogenetic location: 2q31.1.
Variant type: single nucleotide variant.
Coding change: c.3191-2A>G on transcript NM_004525.3 (MANE Select); the canonical splice acceptor site of the intron before coding-DNA position 3191, A replaced by G.
Molecular consequence: splice acceptor variant.
Genome position (GRCh38, 1-based): chr2:169,244,934, T>C on the plus strand (A>G on the coding strand, the complement: LRP2 is on the minus strand). VCF-style: chr2-169244934-T-C. GRCh37 (hg19) VCF-style: chr2-170101444-T-C.
Identifiers: ClinVar variation 2710986 (VCV002710986.3), dbSNP rs2528390555, ClinGen allele CA349152037.
Genomic context (GRCh38, chr2:169,244,934, plus strand): 5'-GTGTGCAGGAATGCACTCCCCATGGCCACAGGTGAACGCCGAAGATGAACAGGTATTATC[T>C]ACAATAGTAACAAACTGGTCATGAAGACATTTGTTTTTACAGCCTTTTAAATGAGTTCTT-3'

ClinVar aggregate classification (germline): Likely pathogenic (1 of 4 stars; one submission).

Submission:

Labcorp Genetics (formerly Invitae), Labcorp
Classification: Likely pathogenic. Last evaluated: 2024-01-24. Review status: criteria provided, single submitter. Criteria: Invitae Variant Classification Sherloc (09022015). Collection method: clinical testing. Allele origin: germline.
Comment: This sequence change affects an acceptor splice site in intron 21 of the LRP2 gene. It is expected to disrupt RNA splicing. Variants that disrupt the donor or acceptor splice site typically lead to a loss of protein function (PMID: 16199547), and loss-of-function variants in LRP2 are known to be pathogenic (PMID: 17632512, 25682901). This variant is not present in population databases (gnomAD no frequency). This variant has not been reported in the literature in individuals affected with LRP2-related conditions. Algorithms developed to predict the effect of sequence changes on RNA splicing suggest that this variant may disrupt the consensus splice site. In summary, the currently available evidence indicates that the variant is pathogenic, but additional data are needed to prove that conclusively. Therefore, this variant has been classified as Likely Pathogenic.

Literature cited by the submitters: PubMed 16199547; PubMed 17632512; PubMed 25682901.